The following is an entry in ClinVar:

ClinVar aggregate classification (germline): Conflicting classifications of pathogenicity. Review status: criteria provided, conflicting classifications (1 of 4 stars). 3 submissions from 3 submitters: Uncertain significance (2); Likely benign (1). Last evaluated 2023-03-23.

Conditions:
Hereditary cancer-predisposing syndrome. Also called: Neoplastic Syndromes, Hereditary; Tumor predisposition; Hereditary Cancer Syndrome; Hereditary neoplastic syndrome. Identifiers: Orphanet 140162, MedGen C0027672, MeSH D009386, MONDO:0015356.

Submissions (3):

University of Washington Department of Laboratory Medicine, University of Washington
Classification: Likely benign for Hereditary cancer-predisposing syndrome. Last evaluated: 2023-03-23. Review status: criteria provided, single submitter. Criteria: Dines et al. (Genet Med. 2020). Collection method: curation. Allele origin: germline.
Comment: Missense variant in a coldspot region where missense variants are very unlikely to be pathogenic (PMID:31911673).

BRCA1 coldspot (exon 11 using historical exon numbering). Reclassification based on statistical prior probability

Genetic Services Laboratory, University of Chicago
Classification: Uncertain significance. Last evaluated: 2019-06-13. Review status: criteria provided, single submitter. Criteria: ACMG Guidelines, 2015. Collection method: clinical testing. Allele origin: germline. Affected: no.

Color Diagnostics, LLC DBA Color Health
Classification: Uncertain significance for Hereditary cancer-predisposing syndrome. Last evaluated: 2019-02-15. Review status: criteria provided, single submitter. Criteria: ACMG Guidelines, 2015. Collection method: clinical testing. Allele origin: germline.

NM_007294.4(BRCA1):c.829A>G (p.Asn277Asp)

Gene: BRCA1 (BRCA1 DNA repair associated; minus strand). Cytogenetic location: 17q21.31.
Variant type: single nucleotide variant.
Coding change: c.829A>G on transcript NM_007294.4 (MANE Select); coding-DNA position 829, A replaced by G.
Protein change: p.Asn277Asp; replaces asparagine 277 with aspartic acid.
Molecular consequence: missense variant. On other transcripts: intron variant (137), 5 prime UTR variant (2).
Genome position (GRCh38, 1-based): chr17:43,094,702, T>C on the plus strand (A>G on the coding strand, the complement: BRCA1 is on the minus strand). VCF-style: chr17-43094702-T-C. GRCh37 (hg19) VCF-style: chr17-41246719-T-C.
Other names: c.616A>G, p.Asn206Asp (NM_001407571.1, NM_001407853.1, NM_001407894.1 and 9 more transcripts); c.829A>G, p.Asn277Asp (NM_001407581.1, NM_001407582.1, NM_001407583.1 and 30 more transcripts); c.826A>G, p.Asn276Asp (NM_001407587.1, NM_001407590.1, NM_001407591.1 and 22 more transcripts); c.820A>G, p.Asn274Asp (NM_001407646.1, NM_001407647.1); c.706A>G, p.Asn236Asp (NM_001407648.1, NM_001407664.1, NM_001407665.1 and 19 more transcripts); c.703A>G, p.Asn235Asp (NM_001407649.1, NM_001407670.1, NM_001407671.1 and 11 more transcripts); c.751A>G, p.Asn251Asp (NM_001407653.1, NM_001407654.1, NM_001407655.1 and 4 more transcripts); c.748A>G, p.Asn250Asp (NM_001407659.1, NM_001407660.1, NM_001407661.1 and 1 more transcripts); and 40 more; short protein forms N277D, N230D, N250D, N251D, N149D, N150D, N188D, N209D.
Identifiers: ClinVar variation 926725 (VCV000926725.7), dbSNP rs2054040121, ClinGen allele CA10600428.